The following is an entry in ClinVar:

ClinVar aggregate classification (germline): Uncertain significance (1 of 4 stars; one submission).

Conditions:
Cataract 1 multiple types. Also called: CATARACT, DUFFY-LINKED; CATARACT 1, POSTERIOR SUBCAPSULAR, WITH MICROCORNEA; CATARACT 1, STELLATE NUCLEAR, WITH MICROCORNEA; CATARACT 1, MULTIPLE TYPES, WITH OR WITHOUT MICROCORNEA; CATARACT 1, NUCLEAR PROGRESSIVE; CATARACT 1 WITH MICROCORNEA. Identifiers: Orphanet 1377, MedGen C1861828, MONDO:0007285, OMIM 116200.

Submission:

Dept. Genetics and Cancer, Menzies Institute for Medical Research, University of Tasmania
Classification: Uncertain significance for Cataract 1 multiple types. Last evaluated: 2023-01-21. Review status: criteria provided, single submitter. Criteria: ACMG Guidelines, 2015. Collection method: curation. Allele origin: germline. Affected: yes.
Comment: Variant identified and curated during a GJA8 specific review of the literature in relation to pediatric or congenital cataract. ACMG-AMP criteria applied: PM1(Supporting), PM2(Supporting), PP1, PP3. Original variant report: PMID:29434075. Gene review and curation guidelines are outlined in: DOI 10.1080/17469899.2023.2160320

Literature cited by the submitters: PubMed 29434075.

NM_005267.5(GJA8):c.10T>A (p.Trp4Arg)

Gene: GJA8 (gap junction protein alpha 8; plus strand). Cytogenetic location: 1q21.2.
Variant type: single nucleotide variant.
Coding change: c.10T>A on transcript NM_005267.5 (MANE Select); coding-DNA position 10, T replaced by A.
Protein change: p.Trp4Arg; replaces tryptophan 4 with arginine.
Molecular consequence: missense variant.
Genome position (GRCh38, 1-based): chr1:147,907,965, T>A. VCF-style: chr1-147907965-T-A. GRCh37 (hg19) VCF-style: chr1-147380092-T-A.
Other names: short protein forms W4R.
Identifiers: ClinVar variation 3253703 (VCV003253703.1), dbSNP rs2524888237.
Genomic context (GRCh38, chr1:147,907,965, plus strand): 5'-TGCGGCCGCTCAGCTCTTGCCTTCTCCCTCATTTCTTCAGGTGGGTGAGAAATGGGCGAC[T>A]GGAGTTTCCTGGGGAACATCTTGGAGGAGGTGAATGAGCACTCCACCGTCATCGGCAGAG-3'
Protein context (NP_005258.2, residues 1-14): MGD[Trp4Arg]SFLGNILEEV